The following is an entry in ClinVar:

NM_000038.6(APC):c.6090T>C (p.Leu2030=)

Gene: APC (APC regulator of Wnt signaling pathway; plus strand). Cytogenetic location: 5q22.2.
Variant type: single nucleotide variant.
Coding change: c.6090T>C on transcript NM_000038.6 (MANE Select); coding-DNA position 6090, T replaced by C.
Protein change: p.Leu2030=; no amino-acid change (leucine 2030 retained).
Molecular consequence: synonymous variant.
Genome position (GRCh38, 1-based): chr5:112,841,684, T>C. VCF-style: chr5-112841684-T-C. GRCh37 (hg19) VCF-style: chr5-112177381-T-C.
Other names: c.6090T>C, p.Leu2030= (NM_001127510.3, NM_001354895.2); c.6036T>C, p.Leu2012= (NM_001127511.3); c.6144T>C, p.Leu2048= (NM_001354896.2); c.6120T>C, p.Leu2040= (NM_001354897.2); c.6015T>C, p.Leu2005= (NM_001354898.2); c.6006T>C, p.Leu2002= (NM_001354899.2); c.5967T>C, p.Leu1989= (NM_001354900.2); c.5913T>C, p.Leu1971= (NM_001354901.2); and 5 more.
Identifiers: ClinVar variation 187711 (VCV000187711.17), dbSNP rs786203943, ClinGen allele CA010900.

ClinVar aggregate classification (germline): Benign/Likely benign. Review status: criteria provided, multiple submitters, no conflicts (2 of 4 stars). 5 submissions from 5 submitters: Benign (1); Likely benign (4). Last evaluated 2024-04-03.

Conditions:
Hereditary cancer-predisposing syndrome. Also called: Neoplastic Syndromes, Hereditary; Tumor predisposition; Hereditary Cancer Syndrome; Hereditary neoplastic syndrome. Identifiers: Orphanet 140162, MedGen C0027672, MeSH D009386, MONDO:0015356.
Familial adenomatous polyposis 1 (FAP1). Also called: FAMILIAL ADENOMATOUS POLYPOSIS 1, ATTENUATED; POLYPOSIS, ADENOMATOUS INTESTINAL. Identifiers: MedGen C2713442, MONDO:0021056, OMIM 175100. Disease mechanism: loss of function.

Allele frequency attached by ClinVar (database versions not stated): gnomAD exomes below 0.00001 and 0.00001; gnomAD 0.00001.
gnomAD v4.1: 4 of 1,613,768 alleles (0.00025%); highest among the groups gnomAD compares: African/African-American, 0.0013%; no homozygotes.

Submissions (5):

Myriad Genetics, Inc.
Classification: Benign for Familial adenomatous polyposis 1. Last evaluated: 2024-04-03. Review status: criteria provided, single submitter. Criteria: Myriad Autosomal Dominant, Autosomal Recessive and X-Linked Classification Criteria (2023). Collection method: clinical testing. Allele origin: unknown.
Comment: This variant is considered benign. This variant is a silent/synonymous amino acid change and it is not expected to impact splicing.

Labcorp Genetics (formerly Invitae), Labcorp
Classification: Likely benign for Familial adenomatous polyposis 1. Last evaluated: 2023-12-18. Review status: criteria provided, single submitter. Criteria: Invitae Variant Classification Sherloc (09022015). Collection method: clinical testing. Allele origin: germline.

Ambry Genetics
Classification: Likely benign for Hereditary cancer-predisposing syndrome. Last evaluated: 2023-10-12. Review status: criteria provided, single submitter. Criteria: Ambry Variant Classification Scheme 2023. Collection method: clinical testing. Allele origin: germline.

Sema4
Classification: Likely benign for Hereditary cancer-predisposing syndrome. Last evaluated: 2021-08-26. Review status: criteria provided, single submitter. Criteria: Sema4 Curation Guidelines. Collection method: curation. Allele origin: germline.

Color Diagnostics, LLC DBA Color Health
Classification: Likely benign for Hereditary cancer-predisposing syndrome. Last evaluated: 2019-01-29. Review status: criteria provided, single submitter. Criteria: ACMG Guidelines, 2015. Collection method: clinical testing. Allele origin: germline.